The following is an entry in ClinVar:

ClinVar aggregate classification (germline): Pathogenic (1 of 4 stars; one submission).

Conditions:
SIN3A-related intellectual disability syndrome due to a point mutation. Also called: WITTEVEEN-KOLK SYNDROME; 15q24 Microdeletion Syndrome. Identifiers: Orphanet 500166, Orphanet 94065, MedGen C4310804, MONDO:0044700, OMIM 613406.

Submission:

Baylor Genetics
Classification: Pathogenic for SIN3A-related intellectual disability syndrome due to a point mutation. Last evaluated: 2019-03-26. Review status: criteria provided, single submitter. Criteria: ACMG Guidelines, 2015. Collection method: clinical testing. Allele origin: de novo. Affected: yes.
Comment: This variant was determined to be pathogenic according to ACMG Guidelines, 2015 [PMID:25741868].

NM_001145358.2(SIN3A):c.2258_2259dup (p.Glu754fs)

Gene: SIN3A (SIN3 transcription regulator family member A; minus strand). Cytogenetic location: 15q24.2.
Variant type: Duplication.
Coding change: c.2258_2259dup on transcript NM_001145358.2 (MANE Select); coding-DNA positions 2258 to 2259, 2 bases duplicated (TT; older notation c.2258_2259dupTT).
Protein change: p.Glu754fs; shifts the reading frame from glutamic acid 754.
Molecular consequence: frameshift variant.
Genome position (GRCh38, 1-based): chr15:75,394,698-75,394,699, AA duplicated on the plus strand (TT on the coding strand, the reverse complement: SIN3A is on the minus strand). VCF-style (leftmost placement, unchanged base first): chr15-75394697-C-CAA. GRCh37 (hg19) VCF-style: chr15-75687038-C-CAA.
Other names: c.2258_2259dup, p.Glu754fs (NM_001145357.2, NM_015477.3); short protein forms E754fs.
Identifiers: ClinVar variation 1031167 (VCV001031167.1), dbSNP rs2073271481, ClinGen allele CA2188129016.